The following is an entry in ClinVar:

NM_006294.5(UQCRB):c.19+271T>C

Gene: UQCRB (ubiquinol-cytochrome c reductase binding protein; minus strand). Cytogenetic location: 8q22.1.
Variant type: single nucleotide variant.
Coding change: c.19+271T>C on transcript NM_006294.5 (MANE Select); 271 bases into the intron after coding-DNA position 19, T replaced by C.
Molecular consequence: intron variant.
Genome position (GRCh38, 1-based): chr8:96,235,241, A>G on the plus strand (T>C on the coding strand, the complement: UQCRB is on the minus strand). VCF-style: chr8-96235241-A-G. GRCh37 (hg19) VCF-style: chr8-97247469-A-G.
Other names: c.19+271T>C (NM_001254752.2); c.-192+271T>C (NM_001199975.3).
Identifiers: ClinVar variation 684319 (VCV000684319.2), dbSNP rs2643338, ClinGen allele CA12843341.

ClinVar aggregate classification (germline): Benign. Review status: criteria provided, multiple submitters, no conflicts (2 of 4 stars). 2 submissions from 2 submitters: Benign (2). Last evaluated 2018-06-14.

Allele frequency attached by ClinVar (database versions not stated): gnomAD exomes 0.46822; 1000 Genomes Project 0.50839; 1000 Genomes Project 30x 0.51593; gnomAD 0.55493 and 0.56604; TOPMed 0.55697.

Submissions (2):

GeneDx
Classification: Benign. Last evaluated: 2018-06-14. Review status: criteria provided, single submitter. Criteria: GeneDx Variant Classification (06012015). Collection method: clinical testing. Allele origin: germline. Affected: yes.
Comment: This variant is considered likely benign or benign based on one or more of the following criteria: it is a conservative change, it occurs at a poorly conserved position in the protein, it is predicted to be benign by multiple in silico algorithms, and/or has population frequency not consistent with disease.

Breakthrough Genomics
Classification: Benign. Review status: criteria provided, single submitter. Criteria: ACMG Guidelines, 2015. Collection method: not provided. Allele origin: germline. Inheritance: Autosomal recessive inheritance. Affected: yes.